The following is an entry in ClinVar:

NM_000518.5(HBB):c.2T>A (p.Met1Lys)

Genes: HBB (hemoglobin subunit beta; minus strand), LOC106099062 (HBB recombination region; plus strand), LOC107133510 (origin of replication at HBB; plus strand). Cytogenetic location: 11p15.4.
Variant type: single nucleotide variant.
Coding change: c.2T>A on transcript NM_000518.5 (MANE Select); coding-DNA position 2, T replaced by A.
Protein change: p.Met1Lys; changes the start codon (methionine 1).
Molecular consequence: missense variant, initiator codon variant.
Genome position (GRCh38, 1-based): chr11:5,227,020, A>T on the plus strand (T>A on the coding strand, the complement: HBB is on the minus strand). VCF-style: chr11-5227020-A-T. GRCh37 (hg19) VCF-style: chr11-5248250-A-T.
Other names: Init CD ATG>AAG; short protein forms M1K.
Identifiers: ClinVar variation 495986 (VCV000495986.8), dbSNP rs33941849, ClinGen allele CA217115650.

ClinVar aggregate classification (germline): Pathogenic/Likely pathogenic. Review status: criteria provided, multiple submitters, no conflicts (2 of 4 stars). 4 submissions from 4 submitters: Pathogenic (1); Likely pathogenic (2). 1 of the submissions does not count toward it. Last evaluated 2025-08-05.

Conditions:
beta Thalassemia (BTHAL). Also called: Cooley's anemia; Erythroblastic anemia; Mediterranean anemia. Identifiers: Orphanet 848, MedGen C0005283, MONDO:0019402. Disease mechanism: loss of function.

Submissions (4):

Natera, Inc.
Classification: Likely pathogenic for Beta thalassemia. Last evaluated: 2025-08-05. Review status: criteria provided, single submitter. Criteria: Natera Variant Classification Schema (03/2026). Collection method: clinical testing. Allele origin: germline.
Comment: The c.2T>A variant in HBB is predicted to result in start loss due to disruption of the initiator methionine. This variant is expected to result in nonsense mediated decay, truncation, or a dysfunctional protein product. This variant is rare in the general population with a frequency below the threshold expected for the associated phenotype(s). Given the available evidence, this variant is classified as Likely Pathogenic.

Women's Health and Genetics/Laboratory Corporation of America, LabCorp
Classification: Likely pathogenic for beta Thalassemia. Last evaluated: 2019-02-18. Review status: criteria provided, single submitter. Criteria: LabCorp Variant Classification Summary - May 2015. Collection method: clinical testing. Allele origin: germline.
Comment: Variant summary: HBB c.2T>A (p.Met1Lys) alters the initiation codon and is predicted to result either in absence of the protein or truncation of the encoded protein due to translation initiation at a downstream codon. Missense mutation of the initiation codon is widely regarded as deleterious (p.Met1Val, p.Met1Thr, and p.Met1Arg are internally classified as pathogenic). In the HBB gene, other changes at this codon are pathogenic and mutations in the initiation codon are expected to cause severe BTHAL disease. The nearest downstream ATG is codon 55. It is possible that translation of the mutant mRNA initiates from the single in-frame initiation codon (codon 55) and produces a truncated beta-chain that is highly unstable. Four of four in-silico tools predict a damaging effect of the variant on protein function. The variant was absent in 245874 control chromosomes (gnomAD). c.2T>A has been reported in the literature in heterozygous state (once as a de novo occurrence), in 3 individuals, at least two of them presenting with beta-thalassemia intermedia (Vasseur_2017, Lacan_2005, Waye_1997). Thus, it is expected that in homozygosity and/or compound heterozygosity, this variant is likely to cause BTHAL MJR phenotype. To our knowledge, no experimental evidence demonstrating an impact on protein function has been reported. No clinical diagnostic laboratories have submitted clinical-significance assessments for this variant to ClinVar after 2014. Based on the evidence outlined above, the variant was classified as likely pathogenic.

Quest Diagnostics Nichols Institute San Juan Capistrano
Classification: Pathogenic. Last evaluated: 2018-08-31. Review status: criteria provided, single submitter. Criteria: Quest Diagnostics criteria. Collection method: clinical testing. Allele origin: germline.
Comment: The variant disrupts the natural start codon, and is therefore predicted to significantly disrupt the protein structure. Found in at least one symptomatic patient, and not found in general population data.

The ITHANET community portal, The Cyprus Institute of Neurology and Genetics
Classification: Pathogenic for beta Thalassemia. Last evaluated: 2019-11-25. Review status: no assertion criteria provided. Collection method: curation. Allele origin: germline. Not counted in ClinVar's aggregate classification.

Literature cited by the submitters: PubMed 16114187 (cited by Women's Health and Genetics/Laboratory Corporation of America, LabCorp and Quest Diagnostics Nichols Institute San Juan Capistrano); PubMed 19631632 (cited by Women's Health and Genetics/Laboratory Corporation of America, LabCorp); PubMed 9371531 (cited by 3 submitters); PubMed 18694524 (cited by Women's Health and Genetics/Laboratory Corporation of America, LabCorp); PubMed 28643346 (cited by Women's Health and Genetics/Laboratory Corporation of America, LabCorp).